The following is an entry in ClinVar:

ClinVar aggregate classification (germline): Uncertain significance (1 of 4 stars; one submission).

Conditions:
Lethal congenital glycogen storage disease of heart. Also called: GLYCOGEN STORAGE DISEASE OF HEART; PHOSPHORYLASE KINASE DEFICIENCY OF HEART. Identifiers: Orphanet 439854, MedGen C1849813, MONDO:0009867, OMIM 261740.

Submission:

Labcorp Genetics (formerly Invitae), Labcorp
Classification: Uncertain significance for Lethal congenital glycogen storage disease of heart. Last evaluated: 2025-09-27. Review status: criteria provided, single submitter. Criteria: Invitae Variant Classification Sherloc (09022015). Collection method: clinical testing. Allele origin: germline.
Comment: This sequence change replaces glycine, which is neutral and non-polar, with valine, which is neutral and non-polar, at codon 80 of the PRKAG2 protein (p.Gly80Val). This variant is not present in population databases (gnomAD no frequency). This variant has not been reported in the literature in individuals affected with PRKAG2-related conditions. Invitae Evidence Modeling of protein sequence and biophysical properties (such as structural, functional, and spatial information, amino acid conservation, physicochemical variation, residue mobility, and thermodynamic stability) indicates that this missense variant is not expected to disrupt PRKAG2 protein function with a negative predictive value of 95%. In summary, the available evidence is currently insufficient to determine the role of this variant in disease. Therefore, it has been classified as a Variant of Uncertain Significance.

NM_016203.4(PRKAG2):c.239G>T (p.Gly80Val)

Gene: PRKAG2 (protein kinase AMP-activated non-catalytic subunit gamma 2; minus strand). Cytogenetic location: 7q36.1.
Variant type: single nucleotide variant.
Coding change: c.239G>T on transcript NM_016203.4 (MANE Select); coding-DNA position 239, G replaced by T.
Protein change: p.Gly80Val; replaces glycine 80 with valine.
Molecular consequence: missense variant. On other transcripts: intron variant (1).
Genome position (GRCh38, 1-based): chr7:151,781,379, C>A on the plus strand (G>T on the coding strand, the complement: PRKAG2 is on the minus strand). VCF-style: chr7-151781379-C-A. GRCh37 (hg19) VCF-style: chr7-151478465-C-A.
Other names: c.107G>T, p.Gly36Val (NM_001040633.2, NM_001407024.1, NM_001407026.1 and 2 more transcripts); c.239G>T, p.Gly80Val (NM_001407021.1, NM_001407022.1, NM_001407023.1 and 2 more transcripts); c.148+33037G>T (NM_001407032.1); short protein forms G36V, G80V.
Identifiers: ClinVar variation 4802511 (VCV004802511.1).